The following is an entry in ClinVar:

NM_005898.5(CAPRIN1):c.354A>T (p.Ala118=)

Gene: CAPRIN1 (cell cycle associated protein 1; plus strand). Cytogenetic location: 11p13.
Variant type: single nucleotide variant.
Coding change: c.354A>T on transcript NM_005898.5 (MANE Select); coding-DNA position 354, A replaced by T.
Protein change: p.Ala118=; no amino-acid change (alanine 118 retained).
Molecular consequence: synonymous variant.
Genome position (GRCh38, 1-based): chr11:34,071,975, A>T. VCF-style: chr11-34071975-A-T. GRCh37 (hg19) VCF-style: chr11-34093522-A-T.
Other names: c.354A>T, p.Ala118= (NM_203364.3).
Identifiers: ClinVar variation 5041301 (VCV005041301.1).
Genomic context (GRCh38, chr11:34,071,975, plus strand): 5'-GTACCAGGAAGTCACAAATAATTTGGAGTTTGCAAAAGAATTACAGAGGAGTTTCATGGC[A>T]CTAAGTCAAGATGTAAGTAAAAGAAAGTATACATATTTATGAAATACTTTTGTTGTTTCT-3'
Protein context (NP_005889.3, residues 108-128): FAKELQRSFM[Ala118=]LSQDIQKTIK

ClinVar aggregate classification (germline): Likely benign (1 of 4 stars; one submission).

gnomAD v4.1: 21 of 1,605,668 alleles (0.0013%); highest among the groups gnomAD compares: Non-Finnish European, 0.0017%; no homozygotes.

Submission:

CeGaT Center for Human Genetics Tuebingen
Classification: Likely benign. Last evaluated: 2026-09-01. Review status: criteria provided, single submitter. Criteria: CeGaT Center For Human Genetics Tuebingen Variant Classification Criteria Version 2. Collection method: clinical testing. Allele origin: germline. Affected: yes. Observed: 1 variant allele.
Comment: CAPRIN1: BP4, BP7